The following is an entry in ClinVar:

NM_001267550.2(TTN):c.62098A>G (p.Asn20700Asp)

Genes: TTN (titin; minus strand), TTN-AS1 (TTN antisense RNA 1; plus strand). Cytogenetic location: 2q31.2.
Variant type: single nucleotide variant.
Coding change: c.62098A>G on transcript NM_001267550.2 (MANE Select); coding-DNA position 62098, A replaced by G.
Protein change: p.Asn20700Asp; replaces asparagine 20700 with aspartic acid.
Molecular consequence: missense variant.
Genome position (GRCh38, 1-based): chr2:178,589,627, T>C on the plus strand (A>G on the coding strand, the complement: TTN is on the minus strand). VCF-style: chr2-178589627-T-C. GRCh37 (hg19) VCF-style: chr2-179454354-T-C.
Other names: c.57175A>G, p.Asn19059Asp (NM_001256850.1); c.34903A>G, p.Asn11635Asp (NM_003319.4); c.54394A>G, p.Asn18132Asp (NM_133378.4); c.35278A>G, p.Asn11760Asp (NM_133432.3); c.35479A>G, p.Asn11827Asp (NM_133437.4); short protein forms N19059D, N20700D, N18132D, N11760D, N11635D, N11827D.
Identifiers: ClinVar variation 516827 (VCV000516827.24), dbSNP rs151193056, ClinGen allele CA1992270.

ClinVar aggregate classification (germline): Conflicting classifications of pathogenicity. Review status: criteria provided, conflicting classifications (1 of 4 stars). 8 submissions from 8 submitters: Uncertain significance (4); Likely benign (4). Last evaluated 2025-12-31.

Conditions:
Cardiovascular phenotype. Identifiers: MedGen CN230736.
Autosomal recessive limb-girdle muscular dystrophy type 2J (LGMDR10). Also called: Limb-girdle muscular dystrophy, type 2J; MUSCULAR DYSTROPHY, LIMB-GIRDLE, AUTOSOMAL RECESSIVE 10. Identifiers: Orphanet 140922, MedGen C1837342, MONDO:0012127, OMIM 608807.
Dilated cardiomyopathy 1G (CMD1G). Identifiers: Orphanet 154, MedGen C1858763, MONDO:0011400, OMIM 604145.
TTN-related disorder. Also called: TTN-related condition; TTN-related disease; TTN-related disorders.

Allele frequency attached by ClinVar (database versions not stated): gnomAD exomes 0.00002 and 0.00005; ExAC 0.00007; TOPMed 0.00019; gnomAD 0.00023 and 0.00024; ESP Exome Variant Server 0.00033; 1000 Genomes Project 30x 0.00047; 1000 Genomes Project 0.00060.
gnomAD v4.1: 58 of 1,613,368 alleles (0.0036%); highest among the groups gnomAD compares: African/African-American, 0.075%; no homozygotes.

Submissions (8):

Labcorp Genetics (formerly Invitae), Labcorp
Classification: Likely benign for Dilated cardiomyopathy 1G; Autosomal recessive limb-girdle muscular dystrophy type 2J. Last evaluated: 2025-12-31. Review status: criteria provided, single submitter. Criteria: Invitae Variant Classification Sherloc (09022015). Collection method: clinical testing. Allele origin: germline.

PreventionGenetics, part of Exact Sciences
Classification: Uncertain significance for TTN-related condition. Last evaluated: 2025-06-29. Review status: criteria provided, single submitter. Criteria: ACMG Guidelines, 2015. Collection method: clinical testing. Allele origin: germline.
Comment: The TTN c.62098A>G variant is predicted to result in the amino acid substitution p.Asn20700Asp. To our knowledge, this variant has not been reported in the literature. This variant is reported in 0.095% of alleles in individuals of African descent in gnomAD. Although we suspect that this variant may be benign, at this time, the clinical significance of this variant is uncertain due to the absence of conclusive functional and genetic evidence.

Revvity Omics, Revvity
Classification: Uncertain significance. Last evaluated: 2024-04-29. Review status: criteria provided, single submitter. Criteria: ACMG Guidelines, 2015. Collection method: clinical testing. Allele origin: germline.

Blueprint Genetics
Classification: Likely benign. Last evaluated: 2024-02-08. Review status: criteria provided, single submitter. Criteria: ACMG Guidelines, 2015. Collection method: clinical testing. Allele origin: germline.

Women's Health and Genetics/Laboratory Corporation of America, LabCorp
Classification: Uncertain significance. Last evaluated: 2022-06-26. Review status: criteria provided, single submitter. Criteria: LabCorp Variant Classification Summary - May 2015. Collection method: clinical testing. Allele origin: germline.

Ambry Genetics
Classification: Likely benign for Cardiovascular phenotype. Last evaluated: 2020-05-07. Review status: criteria provided, single submitter. Criteria: Ambry Variant Classification Scheme 2023. Collection method: clinical testing. Allele origin: germline.

GeneDx
Classification: Likely benign. Last evaluated: 2019-11-11. Review status: criteria provided, single submitter. Criteria: GeneDx Variant Classification Process June 2021. Collection method: clinical testing. Allele origin: germline. Affected: yes.

Eurofins Ntd Llc (ga)
Classification: Uncertain significance. Last evaluated: 2018-06-01. Review status: criteria provided, single submitter. Criteria: EGL ClinVar v180209 classification definitions. Collection method: clinical testing. Allele origin: germline. Observed: 1 variant allele, 1 heterozygote.